The following is an entry in ClinVar:

ClinVar aggregate classification (germline): Likely benign. Review status: criteria provided, multiple submitters, no conflicts (2 of 4 stars). 3 submissions from 3 submitters: Likely benign (2). 1 of the submissions does not count toward it. Last evaluated 2025-12-08.

Conditions:
HUWE1-related disorder. Also called: HUWE1-related condition.

Allele frequency attached by ClinVar (database versions not stated): TOPMed below 0.00001; gnomAD 0.00002.
gnomAD v4.1: 10 of 1,200,952 alleles (0.00083%); highest among the groups gnomAD compares: Middle Eastern, 0.077%; no homozygotes.

Submissions (3):

Labcorp Genetics (formerly Invitae), Labcorp
Classification: Likely benign. Last evaluated: 2025-12-08. Review status: criteria provided, single submitter. Criteria: Invitae Variant Classification Sherloc (09022015). Collection method: clinical testing. Allele origin: germline.

Blueprint Genetics
Classification: Likely benign. Last evaluated: 2021-08-17. Review status: criteria provided, single submitter. Criteria: ACMG Guidelines, 2015. Collection method: clinical testing. Allele origin: germline.

PreventionGenetics, part of Exact Sciences
Classification: Likely benign for HUWE1-related condition. Last evaluated: 2022-12-12. Review status: no assertion criteria provided. Collection method: clinical testing. Allele origin: germline. Not counted in ClinVar's aggregate classification.
Comment: This variant is classified as likely benign based on ACMG/AMP sequence variant interpretation guidelines (Richards et al. 2015 PMID: 25741868, with internal and published modifications).

NM_031407.7(HUWE1):c.10637-7C>T

Gene: HUWE1 (HECT, UBA and WWE domain containing E3 ubiquitin protein ligase 1; minus strand). Cytogenetic location: Xp11.22.
Variant type: single nucleotide variant.
Coding change: c.10637-7C>T on transcript NM_031407.7 (MANE Select); 7 bases into the intron before coding-DNA position 10637, C replaced by T.
Molecular consequence: intron variant.
Genome position (GRCh38, 1-based): chrX:53,546,832, G>A on the plus strand (C>T on the coding strand, the complement: HUWE1 is on the minus strand). VCF-style: chrX-53546832-G-A. GRCh37 (hg19) VCF-style: chrX-53573793-G-A.
Other names: c.10637-7C>T (NM_031407.6).
Identifiers: ClinVar variation 1939869 (VCV001939869.8), dbSNP rs1218610579, ClinGen allele CA641904178.
Genomic context (GRCh38, chrX:53,546,832, plus strand): 5'-TGCCCCCATCACTCACCTTCGCTGGAGATTTGCTGCCCTTAGTAGTGGGAGAAACTTTGA[G>A]GAAACAGACAGAACACTGTAAGCCTCTCTGAAACTCACAAGCCAGGGACTAAGTGACAAA-3'